The following is an entry in ClinVar:

ClinVar aggregate classification (germline): Conflicting classifications of pathogenicity. Review status: criteria provided, conflicting classifications (1 of 4 stars). 3 submissions from 3 submitters: Uncertain significance (2); Benign (1). Last evaluated 2025-01-21.

Conditions:
Inborn genetic diseases. Identifiers: MedGen C0950123, MeSH D030342.
KMT2D-related disorder. Also called: KMT2D-Related Disorders.
Kabuki syndrome. Also called: Kabuki make-up syndrome; NIIKAWA-KUROKI SYNDROME. Identifiers: Orphanet 2322, MedGen C0796004, MONDO:0016512.

Allele frequency attached by ClinVar (database versions not stated): ExAC below 0.00001; gnomAD exomes 0.00001.
gnomAD v4.1: 2 of 1,518,196 alleles (0.00013%); highest among the groups gnomAD compares: Admixed American, 0.0045%; no homozygotes.

Submissions (3):

PreventionGenetics, part of Exact Sciences
Classification: Uncertain significance for KMT2D-related condition. Last evaluated: 2025-01-21. Review status: criteria provided, single submitter. Criteria: ACMG Guidelines, 2015. Collection method: clinical testing. Allele origin: germline.
Comment: The KMT2D c.6510A>C variant is predicted to result in the amino acid substitution p.Gln2170His. To our knowledge, this variant has not been reported in the literature. This variant is reported in 0.0050% of alleles in individuals of Latino descent in gnomAD. At this time, the clinical significance of this variant is uncertain due to the absence of conclusive functional and genetic evidence.

Labcorp Genetics (formerly Invitae), Labcorp
Classification: Benign for Kabuki syndrome. Last evaluated: 2024-10-15. Review status: criteria provided, single submitter. Criteria: Invitae Variant Classification Sherloc (09022015). Collection method: clinical testing. Allele origin: germline.

Ambry Genetics
Classification: Uncertain significance for Inborn genetic diseases. Last evaluated: 2017-08-15. Review status: criteria provided, single submitter. Criteria: Ambry exome assertion method (8-5-2015). Collection method: clinical testing. Allele origin: germline. Affected: yes. Observed: 1 variant allele.

NM_003482.4(KMT2D):c.6510A>C (p.Gln2170His)

Gene: KMT2D (lysine methyltransferase 2D; minus strand). Cytogenetic location: 12q13.12.
Variant type: single nucleotide variant.
Coding change: c.6510A>C on transcript NM_003482.4 (MANE Select); coding-DNA position 6510, A replaced by C.
Protein change: p.Gln2170His; replaces glutamine 2170 with histidine.
Molecular consequence: missense variant.
Genome position (GRCh38, 1-based): chr12:49,041,260, T>G on the plus strand (A>C on the coding strand, the complement: KMT2D is on the minus strand). VCF-style: chr12-49041260-T-G. GRCh37 (hg19) VCF-style: chr12-49435043-T-G.
Other names: short protein forms Q2170H.
Identifiers: ClinVar variation 521972 (VCV000521972.8), dbSNP rs753121118, ClinGen allele CA6547248.
Genomic context (GRCh38, chr12:49,041,260, plus strand): 5'-GGGGAAGCGGGGCTCCAGGGGATAGGCAGGGGCCAGTCCAAAGGGGTCCTGCGAAGGCAC[T>G]TGGGCGGGCACCTGGGGTGGGAGCTTGAGGAAGAGCTCACCAGGCGAGTCAGGGCCAGGC-3'
Protein context (NP_003473.3, residues 2160-2180): FLKLPPQVPA[Gln2170His]VPSQDPFGLA